The following continues an entry in ClinVar:

NM_000182.5(HADHA):c.1528G>C (p.Glu510Gln)

ClinVar aggregate classification (germline): Pathogenic/Likely pathogenic. Pathogenic (30); Likely pathogenic (2).

Submissions 29 to 34 of 34:

Laboratory for Molecular Medicine, Mass General Brigham Personalized Medicine
Classification: Pathogenic for Long chain 3-hydroxyacyl-CoA dehydrogenase deficiency. Last evaluated: 2016-04-27. Review status: criteria provided, single submitter. Criteria: LMM Criteria. Collection method: clinical testing. Allele origin: germline. Inheritance: Autosomal recessive inheritance. Observed: 2 variant alleles.
Comment: The p.Glu510Gln variant in HADHA has been reported in >25 individuals with Long- chain 3-hydroxyacyl-CoA dehydrogenase deficiency in the homozygous and compound heterozygous state (Ijlst 1994, Baskin 2010, Olpin 2005) and is the most common cause of LCHAD deficiency (Polinati 2015). This variant has been identified in 0 .168% (112/66738) of European chromosomes by the Exome Aggregation Consortium (E xAC; dbSNP rs137852769). Although this variant h as been seen in the general population, its frequency is low enough to be consis tent with a recessive carrier frequency. In vitro functional studies provide som e evidence that the p.Glu510Gln variant may impact protein function (Polinati 20 15). In summary, this variant meets criteria to be classified as pathogenic for Long-chain 3-hydroxyacyl-CoA dehydrogenase deficiency in an autosomal recessive manner based upon genetic and functional evidence. ACMG/AMP Criteria applied: PS 3_Supporting, PM2_Supporting, PM3_Very Strong

Ambry Genetics
Classification: Pathogenic for Inborn genetic diseases. Last evaluated: 2014-09-07. Review status: criteria provided, single submitter. Criteria: Ambry exome assertion method (8-5-2015). Collection method: clinical testing. Allele origin: germline. Affected: yes. Observed: 1 variant allele.

Clinical Genetics Service, Universitary Hospital 12 de Octubre
Classification: Pathogenic for Long chain 3-hydroxyacyl-CoA dehydrogenase deficiency. Review status: criteria provided, single submitter. Criteria: ACMG Guidelines, 2015. Collection method: clinical testing. Allele origin: germline. Affected: yes.

Knight Diagnostic Laboratories, Oregon Health and Sciences University
Classification: Pathogenic for Long chain 3-hydroxyacyl-CoA dehydrogenase deficiency. Review status: criteria provided, single submitter. Criteria: ACMG Guidelines, 2015. Collection method: clinical testing. Allele origin: germline. Affected: no. Study: CSER-NextGen.
Comment: This c.1528G>C (p.Glu510Gln) variant has been identified in individuals affected with LCHAD deficiency and described, in the homozygous state, as the major disease-causing mutation in the alpha subunit of the mitochondrial trifunctional protein (IJlst et al. 1994). This variant is located in the catalytic site of the LCHAD domain. Functional studies show that although this variant results in intact mutant protein, its LCHAD activity is significantly reduced (Olpin et al. 2005). It is absent or not frequent in the population databases (0% in 1000 genomes and Exome Sequencing Project, and 0.18% in ExAc) and several computational algorithms predict this variant as deleterious. It has also been reported pathogenic by reputable mutation databases (ClinVar, Emory Genetics Laboratory, and HGMD). In sum, this c.1528G>C (p.Glu510Gln) variant is best described as a recessive pathogenic variant for LCHAD deficiency.

OMIM
Classification: Pathogenic for LCHAD DEFICIENCY. Last evaluated: 1999-10-01. Review status: no assertion criteria provided. Collection method: literature only. Allele origin: germline. Not counted in ClinVar's aggregate classification.

OMIM
Classification: Pathogenic for LCHAD DEFICIENCY WITH MATERNAL ACUTE FATTY LIVER OF PREGNANCY. Last evaluated: 1999-10-01. Review status: no assertion criteria provided. Collection method: literature only. Allele origin: germline. Not counted in ClinVar's aggregate classification.

Literature cited by the submitters: PubMed 7811722 (cited by 9 submitters); PubMed 8739956 (cited by Labcorp Genetics (formerly Invitae), Labcorp and Dasa); PubMed 11773547 (cited by Labcorp Genetics (formerly Invitae), Labcorp and Dasa); PubMed 14630990 (cited by Labcorp Genetics (formerly Invitae), Labcorp and Dasa); PubMed 15902556 (cited by 5 submitters); PubMed 18408953 (cited by Labcorp Genetics (formerly Invitae), Labcorp); PubMed 19852779 (cited by Labcorp Genetics (formerly Invitae), Labcorp); PubMed 20583174 (cited by Labcorp Genetics (formerly Invitae), Labcorp and Laboratory for Molecular Medicine, Mass General Brigham Personalized Medicine); PubMed 21103935 (cited by Labcorp Genetics (formerly Invitae), Labcorp); PubMed 21549624 (cited by Labcorp Genetics (formerly Invitae), Labcorp and Illumina Laboratory Services, Illumina); PubMed 23868323 (cited by 3 submitters); PubMed 25888220 (cited by 4 submitters); PubMed 26109258 (cited by Labcorp Genetics (formerly Invitae), Labcorp and Women's Health and Genetics/Laboratory Corporation of America, LabCorp); PubMed 26653362 (cited by Labcorp Genetics (formerly Invitae), Labcorp); PubMed 27491397 (cited by Labcorp Genetics (formerly Invitae), Labcorp); PubMed 8770876 (cited by 6 submitters); PubMed 16040264 (cited by Natera, Inc.); PubMed 34448047 (cited by Natera, Inc.); PubMed 9266371 (cited by Illumina Laboratory Services, Illumina); PubMed 26024122 (cited by 3 submitters); PubMed 20814823 (cited by Illumina Laboratory Services, Illumina); PubMed 23430857 (cited by Illumina Laboratory Services, Illumina); PubMed 10352164 (cited by Eurofins Ntd Llc (ga)); PubMed 27117294 (cited by Ambry Genetics); PubMed 7846063 (cited by OMIM); PubMed 9003853 (cited by OMIM); PubMed 10518281 (cited by OMIM).